The following is an entry in ClinVar:

ClinVar aggregate classification (germline): Uncertain significance (1 of 4 stars; one submission).

Submission:

Women's Health and Genetics/Laboratory Corporation of America, LabCorp
Classification: Uncertain significance. Last evaluated: 2024-09-11. Review status: criteria provided, single submitter. Criteria: LabCorp Variant Classification Summary - May 2015. Collection method: clinical testing. Allele origin: germline.
Comment: Variant summary: The variant involves the duplication of exons 12-21 (includes the last exon) in the AARS1 gene. The exact breakpoint at the 3' end of this variant is unknown, therefore this duplication may extend downstream of the annotated region of the gene. As it duplicates the termination codon, its effect on the encoded protein is unknown. A presumed nomenclature of c.(1492+1_1493-1)_(*424_?)dup has been designated for the purposes of this classification. The variant was absent in 21694 control chromosomes (gnomAD SVs dataset) . The available data on variant occurrences in the general population are insufficient to allow any conclusion about variant significance. To our knowledge, no occurrence of c.(1492+1_1493-1)_(*424_?)dup in individuals affected with Developmental and epileptic encephalopathy, 29 and no experimental evidence demonstrating its impact on protein function have been reported. ClinVar contains an entry for this variant (Variation ID: 648520). Based on the evidence outlined above, the variant was classified as uncertain significance.

NC_000016.9:g.(?_70286200)_(70296428_70298860)dup

Gene: AARS1 (alanyl-tRNA synthetase 1; minus strand). Cytogenetic location: 16q22.1.
Variant type: Duplication.
Identifiers: ClinVar variation 3374908 (VCV003374908.1).